The following is an entry in ClinVar:

NM_001009944.3(PKD1):c.3604G>T (p.Ala1202Ser)

Gene: PKD1 (polycystin 1, transient receptor potential channel interacting; minus strand). Cytogenetic location: 16p13.3.
Variant type: single nucleotide variant.
Coding change: c.3604G>T on transcript NM_001009944.3 (MANE Select); coding-DNA position 3604, G replaced by T.
Protein change: p.Ala1202Ser; replaces alanine 1202 with serine.
Molecular consequence: missense variant.
Genome position (GRCh38, 1-based): chr16:2,111,563, C>A on the plus strand (G>T on the coding strand, the complement: PKD1 is on the minus strand). VCF-style: chr16-2111563-C-A. GRCh37 (hg19) VCF-style: chr16-2161564-C-A.
Other names: c.3604G>T, p.Ala1202Ser (NM_000296.4); short protein forms A1202S.
Identifiers: ClinVar variation 3343518 (VCV003343518.1).

ClinVar aggregate classification (germline): Uncertain significance (1 of 4 stars; one submission).

gnomAD v4.1: 6 of 1,579,372 alleles (0.00038%); highest among the groups gnomAD compares: Non-Finnish European, 0.00052%; no homozygotes.

Submission:

GeneDx
Classification: Uncertain significance. Last evaluated: 2023-05-16. Review status: criteria provided, single submitter. Criteria: GeneDx Variant Classification Process June 2021. Collection method: clinical testing. Allele origin: germline. Affected: yes.
Comment: Not observed at significant frequency in large population cohorts (gnomAD); In silico analysis supports that this missense variant does not alter protein structure/function; Has not been previously published as pathogenic or benign to our knowledge